The following is an entry in ClinVar:

NM_000283.4(PDE6B):c.1402-5T>C

Gene: PDE6B (phosphodiesterase 6B; plus strand). Cytogenetic location: 4p16.3.
Variant type: single nucleotide variant.
Coding change: c.1402-5T>C on transcript NM_000283.4 (MANE Select); 5 bases into the intron before coding-DNA position 1402, T replaced by C.
Molecular consequence: intron variant.
Genome position (GRCh38, 1-based): chr4:658,947, T>C. VCF-style: chr4-658947-T-C. GRCh37 (hg19) VCF-style: chr4-652736-T-C.
Other names: c.1402-5T>C (NM_001145291.2); c.565-5T>C (NM_001379246.1, NM_001379247.1, NM_001145292.2 and 1 more transcripts); c.247-5T>C (NM_001350155.3).
Identifiers: ClinVar variation 2819922 (VCV002819922.3), dbSNP rs2474234823, ClinGen allele CA2739270007.

ClinVar aggregate classification (germline): Uncertain significance (1 of 4 stars; one submission).

Submission:

Labcorp Genetics (formerly Invitae), Labcorp
Classification: Uncertain significance. Last evaluated: 2022-12-10. Review status: criteria provided, single submitter. Criteria: Invitae Variant Classification Sherloc (09022015). Collection method: clinical testing. Allele origin: germline.
Comment: In summary, the available evidence is currently insufficient to determine the role of this variant in disease. Therefore, it has been classified as a Variant of Uncertain Significance. Algorithms developed to predict the effect of sequence changes on RNA splicing suggest that this variant may create or strengthen a splice site. This variant has not been reported in the literature in individuals affected with PDE6B-related conditions. This variant is not present in population databases (gnomAD no frequency). This sequence change falls in intron 10 of the PDE6B gene. It does not directly change the encoded amino acid sequence of the PDE6B protein.